The following is an entry in ClinVar:

NM_016169.4(SUFU):c.871_879dup (p.Ile291_Ile293dup)

Gene: SUFU (SUFU negative regulator of hedgehog signaling; plus strand). Cytogenetic location: 10q24.32.
Variant type: Duplication.
Coding change: c.871_879dup on transcript NM_016169.4 (MANE Select); coding-DNA positions 871 to 879, 9 bases duplicated (ATCTGCATC; older notation c.871_879dupATCTGCATC).
Protein change: p.Ile291_Ile293dup.
Molecular consequence: inframe insertion.
Genome position (GRCh38, 1-based): chr10:102,597,254-102,597,262, ATCTGCATC duplicated; duplicating any 9 consecutive bases within chr10:102,597,253-102,597,262 gives the same sequence; the c. name uses the placement nearest the transcript's 3' end. VCF-style (leftmost placement, unchanged base first): chr10-102597252-G-GCATCTGCAT. GRCh37 (hg19) VCF-style: chr10-104357009-G-GCATCTGCAT.
Other names: c.871_879dup, p.Ile291_Ile293dup (NM_001178133.2).
Identifiers: ClinVar variation 822676 (VCV000822676.4), dbSNP rs1590066093, ClinGen allele CA915947560.
Genomic context (GRCh38, chr10:102,597,252, plus strand): 5'-GTGCCAAGTGTGCCTGGGATGACCTGAGCCGGCCCCCCGAGGATGACGAGGACAGCCGGA[G>GCATCTGCAT]CATCTGCATCGGCACACAGCCCCGGCGACTCTCTGGCAAAGGTGGGAGCCATCACTCAGC-3'

ClinVar aggregate classification (germline): Uncertain significance (1 of 4 stars; one submission).

Conditions:
Hereditary cancer-predisposing syndrome. Also called: Tumor predisposition; Hereditary Cancer Syndrome; Neoplastic Syndromes, Hereditary; Hereditary neoplastic syndrome. Identifiers: Orphanet 140162, MedGen C0027672, MeSH D009386, MONDO:0015356.

Submission:

Ambry Genetics
Classification: Uncertain significance for Hereditary cancer-predisposing syndrome. Last evaluated: 2019-09-27. Review status: criteria provided, single submitter. Criteria: Ambry Variant Classification Scheme 2023. Collection method: clinical testing. Allele origin: germline.
Comment: The c.871_879dupATCTGCATC variant (also known as p.I291_I293dup), located in coding exon 7 of the SUFU gene, results from an in-frame duplication of ATCTGCATC at nucleotide positions 871 to 879. This results in the duplication of 3 extra residues (ICI) between codons 291 and 293. This amino acid region is well conserved in available vertebrate species. Since supporting evidence is limited at this time, the clinical significance of this alteration remains unclear.